The following is an entry in ClinVar:

ClinVar aggregate classification (germline): Pathogenic (1 of 4 stars; one submission).

Conditions:
Arteriovenous malformation. Also called: AVM. Identifiers: MedGen C0003857, MeSH D001165, HP:0100026.

Submission:

Seattle Children's Hospital Molecular Genetics Laboratory, Seattle Children's Hospital
Classification: Pathogenic for Arteriovenous malformation. Last evaluated: 2020-08-03. Review status: criteria provided, single submitter. Criteria: ACMG Guidelines, 2015. Collection method: clinical testing. Allele origin: unknown. Inheritance: Autosomal dominant inheritance. Affected: yes. Observed: 1 variant allele, 1 heterozygote.
Comment: This finding is consistent with a genetic diagnosis of EPHB4-related capillary malformation-arteriovenous malformation syndrome (CM-AVM2; OMIM # 618196). The p.Phe867Ser variant has not been observed in large population cohorts (gnomAD) nor patient or gene-specific databases. A different missense variant at the same amino acid position (c.2599T>C, p.Phe867Leu) has previously been reported in a patient with a vein of Galen malformation (VOGM) with possible incomplete penetrance and variable expressivity. Experimental studies demonstrated that the p.Phe867Leu change reduced EPHB4 kinase activity. The p.Phe867Ser variant substitutes the phenylalanine with serine at amino acid position 867, within the kinase domain of EPHB4 (positions 615-899, UniProt P54760). This is a conserved residue across species and in silico tools predict the change is damaging to protein function (DANN, MutationTaster, and SIFT) versus no benign predictions.

Literature cited by the submitters: PubMed 30578106; NCBI Bookshelf 52764; PubMed 28687708; PubMed 30760892.

NM_004444.5(EPHB4):c.2600T>C (p.Phe867Ser)

Genes: EPHB4 (EPH receptor B4; minus strand), LOC126860124 (CDK7 strongly-dependent group 2 enhancer GRCh37_chr7:100403701-100404900; plus strand). Cytogenetic location: 7q22.1.
Variant type: single nucleotide variant.
Coding change: c.2600T>C on transcript NM_004444.5 (MANE Select); coding-DNA position 2600, T replaced by C.
Protein change: p.Phe867Ser; replaces phenylalanine 867 with serine.
Molecular consequence: missense variant.
Genome position (GRCh38, 1-based): chr7:100,805,579, A>G on the plus strand (T>C on the coding strand, the complement: EPHB4 is on the minus strand). VCF-style: chr7-100805579-A-G. GRCh37 (hg19) VCF-style: chr7-100403201-A-G.
Other names: short protein forms F867S.
Identifiers: ClinVar variation 1172836 (VCV001172836.1), dbSNP rs2116413948, ClinGen allele CA368566924.